The following is an entry in ClinVar:

ClinVar aggregate classification (germline): Benign/Likely benign. Review status: criteria provided, multiple submitters, no conflicts (2 of 4 stars). 4 submissions from 4 submitters: Benign (1); Likely benign (3). Last evaluated 2024-09-16.

Conditions:
Hereditary diffuse gastric adenocarcinoma (HDGC). Also called: DIFFUSE GASTRIC AND LOBULAR BREAST CANCER SYNDROME. Identifiers: Orphanet 26106, MedGen C1708349, MONDO:0007648, OMIM 137215.
Hereditary cancer-predisposing syndrome. Also called: Neoplastic Syndromes, Hereditary; Hereditary neoplastic syndrome; Tumor predisposition; Hereditary Cancer Syndrome. Identifiers: Orphanet 140162, MedGen C0027672, MeSH D009386, MONDO:0015356.

Allele frequency attached by ClinVar (database versions not stated): gnomAD exomes below 0.00001; gnomAD 0.00001.
gnomAD v4.1: 3 of 1,613,994 alleles (0.00019%); highest among the groups gnomAD compares: African/African-American, 0.0013%; no homozygotes.

Submissions (4):

Myriad Genetics, Inc.
Classification: Benign for Hereditary diffuse gastric adenocarcinoma. Last evaluated: 2024-09-16. Review status: criteria provided, single submitter. Criteria: Myriad Autosomal Dominant, Autosomal Recessive and X-Linked Classification Criteria (2023). Collection method: clinical testing. Allele origin: unknown.
Comment: This variant is considered benign. This variant is a silent/synonymous amino acid change and it is not expected to impact splicing.

Labcorp Genetics (formerly Invitae), Labcorp
Classification: Likely benign for Hereditary diffuse gastric adenocarcinoma. Last evaluated: 2024-04-05. Review status: criteria provided, single submitter. Criteria: Invitae Variant Classification Sherloc (09022015). Collection method: clinical testing. Allele origin: germline.

Ambry Genetics
Classification: Likely benign for Hereditary cancer-predisposing syndrome. Last evaluated: 2018-05-16. Review status: criteria provided, single submitter. Criteria: Ambry Variant Classification Scheme 2023. Collection method: clinical testing. Allele origin: germline.

GeneDx
Classification: Likely benign. Last evaluated: 2016-06-23. Review status: criteria provided, single submitter. Criteria: GeneDx Variant Classification (06012015). Collection method: clinical testing. Allele origin: germline. Affected: yes.
Comment: This variant is considered likely benign or benign based on one or more of the following criteria: it is a conservative change, it occurs at a poorly conserved position in the protein, it is predicted to be benign by multiple in silico algorithms, and/or has population frequency not consistent with disease.

NM_004360.5(CDH1):c.774C>T (p.Asn258=)

Gene: CDH1 (cadherin 1; plus strand). Cytogenetic location: 16q22.1.
Variant type: single nucleotide variant.
Coding change: c.774C>T on transcript NM_004360.5 (MANE Select); coding-DNA position 774, C replaced by T.
Protein change: p.Asn258=; no amino-acid change (asparagine 258 retained).
Molecular consequence: synonymous variant. On other transcripts: 5 prime UTR variant (2).
Genome position (GRCh38, 1-based): chr16:68,810,283, C>T. VCF-style: chr16-68810283-C-T. GRCh37 (hg19) VCF-style: chr16-68844186-C-T.
Other names: c.774C>T, p.Asn258= (NM_001317184.2); c.-842C>T (NM_001317185.2); c.-1046C>T (NM_001317186.2); c.774C>T (LRG_301t1).
Identifiers: ClinVar variation 387267 (VCV000387267.14), dbSNP rs1057522747, ClinGen allele CA16607355.